The following is an entry in ClinVar:

NM_006231.4(POLE):c.5811+3_5811+4dup

Gene: POLE (DNA polymerase epsilon, catalytic subunit; minus strand). Cytogenetic location: 12q24.33.
Variant type: Duplication.
Coding change: c.5811+3_5811+4dup on transcript NM_006231.4 (MANE Select); bases 3 to 4 of the intron after coding-DNA position 5811, 2 bases duplicated (AA; older notation c.5811+3_5811+4dupAA).
Molecular consequence: intron variant.
Genome position (GRCh38, 1-based): chr12:132,635,888-132,635,889, TT duplicated on the plus strand (AA on the coding strand, the reverse complement: POLE is on the minus strand). VCF-style (leftmost placement, unchanged base first): chr12-132635887-C-CTT. GRCh37 (hg19) VCF-style: chr12-133212473-C-CTT.
Other names: c.5811+3_5811+4dupAA (NM_006231.3).
Identifiers: ClinVar variation 573463 (VCV000573463.8), dbSNP rs1565929922, ClinGen allele CA891843954.
Genomic context (GRCh38, chr12:132,635,887, plus strand): 5'-CACTTGCTGCAGGAATGAACGCGACCCCCAAAGCTGGCTCGGGTGCCACACTGCAGCTCG[C>CTT]TTACCAGTCCACAGTGAATACGAGATGAAACTTTTCCTTTGATTCCGCCATAGTTAGATG-3'

ClinVar aggregate classification (germline): Uncertain significance (1 of 4 stars; one submission).

Submission:

Labcorp Genetics (formerly Invitae), Labcorp
Classification: Uncertain significance. Last evaluated: 2019-04-05. Review status: criteria provided, single submitter. Criteria: Invitae Variant Classification Sherloc (09022015). Collection method: clinical testing. Allele origin: germline.
Comment: This sequence change falls in intron 42 of the POLE gene. It does not directly change the encoded amino acid sequence of the POLE protein, but it affects a nucleotide within the consensus splice site of the intron. This variant is not present in population databases (ExAC no frequency). This variant has not been reported in the literature in individuals with POLE-related conditions. ClinVar contains an entry for this variant (Variation ID: 573463). Nucleotide substitutions within the consensus splice site are a relatively common cause of aberrant splicing (PMID: 17576681, 9536098). Algorithms developed to predict the effect of sequence changes on RNA splicing suggest that this variant may disrupt the consensus splice site, but this prediction has not been confirmed by published transcriptional studies. In summary, the available evidence is currently insufficient to determine the role of this variant in disease. Therefore, it has been classified as a Variant of Uncertain Significance.

Literature cited by the submitters: PubMed 17576681; PubMed 9536098.